The following is an entry in ClinVar:

NM_003970.4(MYOM2):c.3843G>T (p.Gly1281=)

Gene: MYOM2 (myomesin 2; plus strand). Cytogenetic location: 8p23.3.
Variant type: single nucleotide variant.
Coding change: c.3843G>T on transcript NM_003970.4 (MANE Select); coding-DNA position 3843, G replaced by T.
Protein change: p.Gly1281=; no amino-acid change (glycine 1281 retained).
Molecular consequence: synonymous variant.
Genome position (GRCh38, 1-based): chr8:2,140,765, G>T. VCF-style: chr8-2140765-G-T. GRCh37 (hg19) VCF-style: chr8-2088688-G-T.
Identifiers: ClinVar variation 3039151 (VCV003039151.2), dbSNP rs3736654, ClinGen allele CA170466410.
Genomic context (GRCh38, chr8:2,140,765, plus strand): 5'-CCTGTTGCTCTTTTCAAGAGATGCTAAGATCTCATCCAGTGAGCATATGAGAATCGGGGG[G>T]AGTGAAGAGATGGCTTGGCTGCAGATATGTGAGCCGACTGAGAAGGATAAAGGAAAATAC-3'
Protein context (NP_003961.3, residues 1271-1291): ISSSEHMRIG[Gly1281=]SEEMAWLQIC

ClinVar aggregate classification (germline): Benign (0 of 4 stars; one submission).

Conditions:
MYOM2-related disorder. Also called: MYOM2-related condition.

Allele frequency attached by ClinVar (database versions not stated): ESP Exome Variant Server 0.00038; gnomAD 0.00472; TOPMed 0.00555; ExAC 0.00663; 1000 Genomes Project 30x 0.01031; 1000 Genomes Project 0.01078.
gnomAD v4.1: 3,812 of 1,613,322 alleles (0.24%); highest among the groups gnomAD compares: East Asian, 3.5%; 56 homozygotes.

Submission:

PreventionGenetics, part of Exact Sciences
Classification: Benign for MYOM2-related condition. Last evaluated: 2019-12-24. Review status: no assertion criteria provided. Collection method: clinical testing. Allele origin: germline.
Comment: This variant is classified as benign based on ACMG/AMP sequence variant interpretation guidelines (Richards et al. 2015 PMID: 25741868, with internal and published modifications).